The following is an entry in ClinVar:

ClinVar aggregate classification (germline): Uncertain significance. Review status: criteria provided, multiple submitters, no conflicts (2 of 4 stars). 2 submissions from 2 submitters: Uncertain significance (2). Last evaluated 2025-04-28.

Conditions:
Hereditary cancer-predisposing syndrome. Also called: Neoplastic Syndromes, Hereditary; Tumor predisposition; Hereditary Cancer Syndrome; Hereditary neoplastic syndrome. Identifiers: Orphanet 140162, MedGen C0027672, MeSH D009386, MONDO:0015356.

Allele frequency attached by ClinVar (database versions not stated): gnomAD exomes below 0.00001 and 0.00001; ExAC 0.00002.
gnomAD v4.1: 4 of 1,613,326 alleles (0.00025%); highest among the groups gnomAD compares: Non-Finnish European, 0.00034%; no homozygotes.

Submissions (2):

Labcorp Genetics (formerly Invitae), Labcorp
Classification: Uncertain significance. Last evaluated: 2025-04-28. Review status: criteria provided, single submitter. Criteria: Invitae Variant Classification Sherloc (09022015). Collection method: clinical testing. Allele origin: germline.
Comment: This sequence change replaces glutamic acid, which is acidic and polar, with lysine, which is basic and polar, at codon 1605 of the POLE protein (p.Glu1605Lys). This variant is present in population databases (rs768801696, gnomAD 0.002%). This variant has not been reported in the literature in individuals affected with POLE-related conditions. ClinVar contains an entry for this variant (Variation ID: 473693). Invitae Evidence Modeling of protein sequence and biophysical properties (such as structural, functional, and spatial information, amino acid conservation, physicochemical variation, residue mobility, and thermodynamic stability) indicates that this missense variant is not expected to disrupt POLE protein function with a negative predictive value of 80%. In summary, the available evidence is currently insufficient to determine the role of this variant in disease. Therefore, it has been classified as a Variant of Uncertain Significance.

Ambry Genetics
Classification: Uncertain significance for Hereditary cancer-predisposing syndrome. Last evaluated: 2024-05-25. Review status: criteria provided, single submitter. Criteria: Ambry Variant Classification Scheme 2023. Collection method: clinical testing. Allele origin: germline.
Comment: The p.E1605K variant (also known as c.4813G>A), located in coding exon 37 of the POLE gene, results from a G to A substitution at nucleotide position 4813. The glutamic acid at codon 1605 is replaced by lysine, an amino acid with similar properties. This amino acid position is conserved. In addition, the in silico prediction for this alteration is inconclusive. Based on the available evidence, the clinical significance of this variant remains unclear.

NM_006231.4(POLE):c.4813G>A (p.Glu1605Lys)

Gene: POLE (DNA polymerase epsilon, catalytic subunit; minus strand). Cytogenetic location: 12q24.33.
Variant type: single nucleotide variant.
Coding change: c.4813G>A on transcript NM_006231.4 (MANE Select); coding-DNA position 4813, G replaced by A.
Protein change: p.Glu1605Lys; replaces glutamic acid 1605 with lysine.
Molecular consequence: missense variant.
Genome position (GRCh38, 1-based): chr12:132,642,645, C>T on the plus strand (G>A on the coding strand, the complement: POLE is on the minus strand). VCF-style: chr12-132642645-C-T. GRCh37 (hg19) VCF-style: chr12-133219231-C-T.
Other names: c.4813G>A (NM_006231.2); short protein forms E1605K.
Identifiers: ClinVar variation 473693 (VCV000473693.12), dbSNP rs768801696, ClinGen allele CA6892705.
Genomic context (GRCh38, chr12:132,642,645, plus strand): 5'-GCCAGTCCAGGACCCCATAGTTGATCTTGTCAGCCACACAGATAGGCACCAGTGGGAATT[C>T]CTCCAAGACAGGAATTTCACTGGCCAGCCTCTTCAGCTCCCAGCTGGACTGAACAGCGAT-3'
Protein context (NP_006222.2, residues 1595-1615): RLASEIPVLE[Glu1605Lys]FPLVPICVAD